The following is an entry in ClinVar:

ClinVar aggregate classification (germline): Uncertain significance (1 of 4 stars; one submission).

Conditions:
Neurodegeneration with brain iron accumulation 5 (NBIA5). Also called: STATIC ENCEPHALOPATHY OF CHILDHOOD WITH NEURODEGENERATION IN ADULTHOOD; Beta-propeller protein-associated neurodegeneration. Identifiers: Orphanet 329284, MedGen C3550973, MONDO:0010476, OMIM 300894.

Allele frequency attached by ClinVar (database versions not stated): gnomAD exomes 0.00002.
gnomAD v4.1: 25 of 1,205,474 alleles (0.0021%); highest among the groups gnomAD compares: Non-Finnish European, 0.0027%; no homozygotes.

Submission:

Labcorp Genetics (formerly Invitae), Labcorp
Classification: Uncertain significance for Neurodegeneration with brain iron accumulation 5. Last evaluated: 2024-06-09. Review status: criteria provided, single submitter. Criteria: Invitae Variant Classification Sherloc (09022015). Collection method: clinical testing. Allele origin: germline.
Comment: This sequence change replaces aspartic acid, which is acidic and polar, with asparagine, which is neutral and polar, at codon 174 of the WDR45 protein (p.Asp174Asn). This variant is not present in population databases (gnomAD no frequency). This variant has not been reported in the literature in individuals affected with WDR45-related conditions. ClinVar contains an entry for this variant (Variation ID: 2183753). An algorithm developed to predict the effect of missense changes on protein structure and function (PolyPhen-2) suggests that this variant is likely to be tolerated. In summary, the available evidence is currently insufficient to determine the role of this variant in disease. Therefore, it has been classified as a Variant of Uncertain Significance.

NM_001029896.2(WDR45):c.517G>A (p.Asp173Asn)

Gene: WDR45 (WD repeat domain 45; minus strand). Cytogenetic location: Xp11.23.
Variant type: single nucleotide variant.
Coding change: c.517G>A on transcript NM_001029896.2 (MANE Select); coding-DNA position 517, G replaced by A.
Protein change: p.Asp173Asn; replaces aspartic acid 173 with asparagine.
Molecular consequence: missense variant.
Genome position (GRCh38, 1-based): chrX:49,075,753, C>T on the plus strand (G>A on the coding strand, the complement: WDR45 is on the minus strand). VCF-style: chrX-49075753-C-T. GRCh37 (hg19) VCF-style: chrX-48933412-C-T.
Other names: c.520G>A, p.Asp174Asn (NM_007075.4); short protein forms D173N, D174N.
Identifiers: ClinVar variation 2183753 (VCV002183753.4), dbSNP rs1296011421, ClinGen allele CA412945029.